The following is an entry in ClinVar:

NM_001365276.2(TNXB):c.8143+17A>G

Gene: TNXB (tenascin XB; minus strand). Cytogenetic location: 6p21.33.
Variant type: single nucleotide variant.
Coding change: c.8143+17A>G on transcript NM_001365276.2 (MANE Select); 17 bases into the intron after coding-DNA position 8143, A replaced by G.
Molecular consequence: intron variant.
Genome position (GRCh38, 1-based): chr6:32,056,569, T>C on the plus strand (A>G on the coding strand, the complement: TNXB is on the minus strand). VCF-style: chr6-32056569-T-C. GRCh37 (hg19) VCF-style: chr6-32024346-T-C.
Other names: c.8143+17A>G (NM_019105.8); c.8884+17A>G (NM_001428335.1).
Identifiers: ClinVar variation 4806460 (VCV004806460.2).
Genomic context (GRCh38, chr6:32,056,569, plus strand): 5'-CCCCACCAGTCATCACCAAAGAGCAAGAGGGTGACCCTCCCACGGCTCCCACCCTGGGGC[T>C]GCCATCATCCACTCACCCGTCACCCCAATGACAGAGATGGGGCCCACGCGCTGGCCACCG-3'

ClinVar aggregate classification (germline): Likely benign. Review status: criteria provided, multiple submitters, no conflicts (2 of 4 stars). 2 submissions from 2 submitters: Likely benign (2). Last evaluated 2026-04-21.

gnomAD v4.1: 35 of 1,611,692 alleles (0.0022%); highest among the groups gnomAD compares: African/African-American, 0.035%; no homozygotes.

Submissions (2):

Women's Health and Genetics/Laboratory Corporation of America, LabCorp
Classification: Likely benign. Last evaluated: 2026-04-21. Review status: criteria provided, single submitter. Criteria: LabCorp Variant Classification Summary - May 2015. Collection method: clinical testing. Allele origin: germline.
Comment: Variant summary: TNXB c.8143+17A>G alters a nucleotide located at a position not widely known to affect splicing. Consensus agreement among computation tools predict no significant impact on normal splicing. However, these predictions have yet to be confirmed by functional studies. The variant allele was found at a frequency of 5.1e-05 in 274402 control chromosomes. This frequency is not significantly higher than estimated for disease-causing variants in TNXB, allowing no conclusion about variant significance. To our knowledge, no occurrence of c.8143+17A>G in individuals affected with TNXB-related conditions and no experimental evidence demonstrating its impact on protein function have been reported. ClinVar contains an entry for this variant (Variation ID: 4806460). Based on the evidence outlined above, the variant was classified as likely benign.

Labcorp Genetics (formerly Invitae), Labcorp
Classification: Likely benign. Last evaluated: 2026-01-17. Review status: criteria provided, single submitter. Criteria: Invitae Variant Classification Sherloc (09022015). Collection method: clinical testing. Allele origin: germline.